The following is an entry in ClinVar:

ClinVar aggregate classification (germline): Benign/Likely benign. Review status: criteria provided, multiple submitters, no conflicts (2 of 4 stars). 2 submissions from 2 submitters: Benign (1); Likely benign (1). Last evaluated 2025-03-20.

Conditions:
Juvenile polyposis/hereditary hemorrhagic telangiectasia syndrome (JPHT). Also called: JP/HHT SYNDROME; JUVENILE POLYPOSIS WITH HEREDITARY HEMORRHAGIC TELANGIECTASIA; POLYPOSIS, GENERALIZED JUVENILE, WITH PULMONARY ARTERIOVENOUS MALFORMATION; TELANGIECTASIA, HEREDITARY HEMORRHAGIC, WITH JUVENILE POLYPOSIS COLI; Juvenile Polyposis Syndrome / Hereditary Hemorrhagic Telangiectasia (JPS/HHT). Identifiers: Orphanet 2929, MedGen C1832942, MONDO:0008278, OMIM 175050.
Familial thoracic aortic aneurysm and aortic dissection (TAAD). Also called: Thoracic aortic aneurysms and dissections. Identifiers: Orphanet 91387, MedGen C4707243, MONDO:0019625.
Hereditary cancer-predisposing syndrome. Also called: Neoplastic Syndromes, Hereditary; Tumor predisposition; Hereditary neoplastic syndrome; Hereditary Cancer Syndrome. Identifiers: Orphanet 140162, MedGen C0027672, MeSH D009386, MONDO:0015356.

Submissions (2):

Myriad Genetics, Inc.
Classification: Benign for Juvenile polyposis/hereditary hemorrhagic telangiectasia syndrome. Last evaluated: 2025-03-20. Review status: criteria provided, single submitter. Criteria: Myriad Autosomal Dominant, Autosomal Recessive and X-Linked Classification Criteria (2023). Collection method: clinical testing. Allele origin: unknown.
Comment: This variant is considered benign. This variant is a silent/synonymous amino acid change and it is not expected to impact splicing.

Ambry Genetics
Classification: Likely benign for Hereditary cancer-predisposing syndrome; Familial thoracic aortic aneurysm and aortic dissection. Last evaluated: 2023-12-10. Review status: criteria provided, single submitter. Criteria: Ambry Variant Classification Scheme 2023. Collection method: clinical testing. Allele origin: germline.

NM_005359.6(SMAD4):c.1029A>G (p.Ser343=)

Gene: SMAD4 (SMAD family member 4; plus strand). Cytogenetic location: 18q21.2.
Variant type: single nucleotide variant.
Coding change: c.1029A>G on transcript NM_005359.6 (MANE Select); coding-DNA position 1029, A replaced by G.
Protein change: p.Ser343=; no amino-acid change (serine 343 retained).
Molecular consequence: synonymous variant. On other transcripts: non-coding transcript variant (2).
Genome position (GRCh38, 1-based): chr18:51,065,496, A>G. VCF-style: chr18-51065496-A-G. GRCh37 (hg19) VCF-style: chr18-48591866-A-G.
Other names: c.1029A>G, p.Ser343= (NM_001407041.1, NM_001407042.1, NM_001407043.1).
Identifiers: ClinVar variation 3238382 (VCV003238382.2), dbSNP rs2511382886.
Genomic context (GRCh38, chr18:51,065,496, plus strand): 5'-GTGTTCCATTGCTTACTTTGAAATGGATGTTCAGGTAGGAGAGACATTTAAGGTTCCTTC[A>G]AGCTGCCCTATTGTTACTGTTGATGGATACGTGGACCCTTCTGGAGGAGATCGCTTTTGT-3'
Protein context (NP_005350.1, residues 333-353): VQVGETFKVP[Ser343=]SCPIVTVDGY